The following is an entry in ClinVar:

ClinVar aggregate classification (germline): Benign/Likely benign. Review status: criteria provided, multiple submitters, no conflicts (2 of 4 stars). 2 submissions from 2 submitters: Benign (1); Likely benign (1). Last evaluated 2025-02-05.

Conditions:
Hereditary cancer-predisposing syndrome. Also called: Neoplastic Syndromes, Hereditary; Tumor predisposition; Hereditary Cancer Syndrome; Hereditary neoplastic syndrome. Identifiers: Orphanet 140162, MedGen C0027672, MeSH D009386, MONDO:0015356.
Familial cancer of breast. Also called: hereditary breast carcinoma; Hereditary breast cancer; BREAST CANCER, FAMILIAL. Identifiers: Orphanet 227535, MedGen C0346153, MONDO:0016419, OMIM 114480. Disease mechanism: loss of function.

Submissions (2):

Ambry Genetics
Classification: Likely benign for Hereditary cancer-predisposing syndrome. Last evaluated: 2025-02-05. Review status: criteria provided, single submitter. Criteria: Ambry Variant Classification Scheme 2023. Collection method: clinical testing. Allele origin: germline.

Myriad Genetics, Inc.
Classification: Benign for Familial cancer of breast. Last evaluated: 2024-08-21. Review status: criteria provided, single submitter. Criteria: Myriad Autosomal Dominant, Autosomal Recessive and X-Linked Classification Criteria (2023). Collection method: clinical testing. Allele origin: unknown.
Comment: This variant is considered benign. This variant is a silent/synonymous amino acid change and it is not expected to impact splicing.

NM_032043.3(BRIP1):c.400C>T (p.Leu134=)

Gene: BRIP1 (BRCA1 interacting DNA helicase 1; minus strand). Cytogenetic location: 17q23.2.
Variant type: single nucleotide variant.
Coding change: c.400C>T on transcript NM_032043.3 (MANE Select); coding-DNA position 400, C replaced by T.
Protein change: p.Leu134=; no amino-acid change (leucine 134 retained).
Molecular consequence: synonymous variant.
Genome position (GRCh38, 1-based): chr17:61,849,236, G>A on the plus strand (C>T on the coding strand, the complement: BRIP1 is on the minus strand). VCF-style: chr17-61849236-G-A. GRCh37 (hg19) VCF-style: chr17-59926597-G-A.
Identifiers: ClinVar variation 3378557 (VCV003378557.2).
Genomic context (GRCh38, chr17:61,849,236, plus strand): 5'-AATCATCATTTTCATCTCTGTATATGGATGCCTGTTTCTTAGCAGATAACTTTGCAGCCA[G>A]AGTGGTTTTTTCAGGGGAGTCTTATATAAGTAATTTAAAAAAAACAGCATAAATAACTTA-3'
Protein context (NP_114432.2, residues 124-144): TCQDSPEKTT[Leu134=]AAKLSAKKQA